The following is an entry in ClinVar:

ClinVar aggregate classification (germline): Uncertain significance (1 of 4 stars; one submission).

Conditions:
Inborn genetic diseases. Identifiers: MedGen C0950123, MeSH D030342.

Submission:

Ambry Genetics
Classification: Uncertain significance for Inborn genetic diseases. Last evaluated: 2025-06-03. Review status: criteria provided, single submitter. Criteria: Ambry Variant Classification Scheme 2023. Collection method: clinical testing. Allele origin: germline.
Comment: The p.L468F variant (also known as c.1402C>T), located in coding exon 12 of the KDM1A gene, results from a C to T substitution at nucleotide position 1402. The leucine at codon 468 is replaced by phenylalanine, an amino acid with highly similar properties. This amino acid position is conserved. In addition, the in silico prediction for this alteration is inconclusive. Based on the available evidence, the clinical significance of this variant remains unclear.

NM_001009999.3(KDM1A):c.1402C>T (p.Leu468Phe)

Gene: KDM1A (lysine demethylase 1A; plus strand). Cytogenetic location: 1p36.12.
Variant type: single nucleotide variant.
Coding change: c.1402C>T on transcript NM_001009999.3 (MANE Select); coding-DNA position 1402, C replaced by T.
Protein change: p.Leu468Phe; replaces leucine 468 with phenylalanine.
Molecular consequence: missense variant.
Genome position (GRCh38, 1-based): chr1:23,069,140, C>T. VCF-style: chr1-23069140-C-T. GRCh37 (hg19) VCF-style: chr1-23395633-C-T.
Other names: c.1330C>T, p.Leu444Phe (NM_001363654.2, NM_001410763.1, NM_015013.4); c.1390C>T, p.Leu464Phe (NM_001410762.1); short protein forms L464F, L444F, L468F.
Identifiers: ClinVar variation 4042175 (VCV004042175.1).
Genomic context (GRCh38, chr1:23,069,140, plus strand): 5'-AAAGATGAGCAGATTGAACATTGGAAGAAGATAGTGAAAACTCAGGAAGAATTGAAAGAA[C>T]TTCTTAATAAGGTGAAATTCTGTATTTTCTTCATAGCTGAAGAAGCTTTAATAGGAGAAA-3'
Protein context (NP_001009999.1, residues 458-478): IVKTQEELKE[Leu468Phe]LNKMVNLKEK